The following is an entry in ClinVar:

ClinVar aggregate classification (germline): Likely benign (1 of 4 stars; one submission).

gnomAD v4.1: 6 of 1,613,594 alleles (0.00037%); highest among the groups gnomAD compares: Non-Finnish European, 0.00034%; no homozygotes.

Submission:

CeGaT Center for Human Genetics Tuebingen
Classification: Likely benign. Last evaluated: 2026-03-01. Review status: criteria provided, single submitter. Criteria: CeGaT Center For Human Genetics Tuebingen Variant Classification Criteria Version 2. Collection method: clinical testing. Allele origin: germline. Affected: yes. Observed: 1 variant allele.
Comment: ENO3: BP4, BP7

NM_053013.4(ENO3):c.1059G>A (p.Ser353=)

Gene: ENO3 (enolase 3; plus strand). Cytogenetic location: 17p13.2.
Variant type: single nucleotide variant.
Coding change: c.1059G>A on transcript NM_053013.4 (MANE Select); coding-DNA position 1059, G replaced by A.
Protein change: p.Ser353=; no amino-acid change (serine 353 retained).
Molecular consequence: synonymous variant.
Genome position (GRCh38, 1-based): chr17:4,956,135, G>A. VCF-style: chr17-4956135-G-A. GRCh37 (hg19) VCF-style: chr17-4859430-G-A.
Other names: c.930G>A, p.Ser310= (NM_001193503.2); c.1059G>A, p.Ser353= (NM_001374523.1, NM_001976.5); c.1086G>A, p.Ser362= (NM_001374524.1).
Identifiers: ClinVar variation 4821750 (VCV004821750.4).